The following is an entry in ClinVar:

NM_000218.3(KCNQ1):c.780+12G>A

Gene: KCNQ1 (potassium voltage-gated channel subfamily Q member 1; plus strand). Cytogenetic location: 11p15.5.
Variant type: single nucleotide variant.
Coding change: c.780+12G>A on transcript NM_000218.3 (MANE Select); 12 bases into the intron after coding-DNA position 780, G replaced by A.
Molecular consequence: intron variant.
Genome position (GRCh38, 1-based): chr11:2,572,121, G>A. VCF-style: chr11-2572121-G-A. GRCh37 (hg19) VCF-style: chr11-2593351-G-A.
Other names: c.510+12G>A (NM_001406837.1); c.780+12G>A (NM_001406836.1); c.478-11314G>A (NM_001406838.1); c.399+12G>A (NM_181798.2).
Identifiers: ClinVar variation 879674 (VCV000879674.13), dbSNP rs200796314, ClinGen allele CA040368.
Genomic context (GRCh38, chr11:2,572,121, plus strand): 5'-GGGAGGCACCTGGAGGCTCCTGGGCTCCGTGGTCTTCATCCACCGCCAGGTGGGTGGCCC[G>A]GGTTAGGGGTGCGGGGCCCAGGTTGGGGACAGGACGGAGGGAGCAGAGCAGCCCACACTA-3'

ClinVar aggregate classification (germline): Conflicting classifications of pathogenicity. Review status: criteria provided, conflicting classifications (1 of 4 stars). 5 submissions from 2 submitters: Uncertain significance (3); Benign (1); Likely benign (1). Last evaluated 2025-12-10.

Conditions:
Long QT syndrome (LQTS). Identifiers: MedGen C0023976, MeSH D008133, MONDO:0002442. Disease mechanism: loss of function. Inheritance: Various modes of inheritance.
Atrial fibrillation, familial, 3 (ATFB3). Identifiers: MedGen C1837014, MONDO:0011857, OMIM 607554.
Short QT syndrome type 2. Identifiers: Orphanet 51083, MedGen C1865019, MONDO:0012313, OMIM 609621.
Long QT syndrome 1 (LQT1). Identifiers: Orphanet 101016, Orphanet 768, MedGen C4551647, MONDO:0100316, OMIM 192500, MONDO:0008646.
Jervell and Lange-Nielsen syndrome 1 (JLNS1). Also called: DEAFNESS, CONGENITAL, AND FUNCTIONAL HEART DISEASE; CARDIOAUDITORY SYNDROME OF JERVELL AND LANGE-NIELSEN; PROLONGED QT INTERVAL IN EKG AND SUDDEN DEATH; SURDO-CARDIAC SYNDROME. Identifiers: Orphanet 768, Orphanet 90647, MedGen C4551509, MONDO:0024540, OMIM 220400.

Allele frequency attached by ClinVar (database versions not stated): ExAC 0.00005; gnomAD 0.00005 and 0.00006; TOPMed 0.00007; gnomAD exomes 0.00009 and 0.00013; 1000 Genomes Project 30x 0.00016; 1000 Genomes Project 0.00020.
gnomAD v4.1: 194 of 1,603,452 alleles (0.012%); highest among the groups gnomAD compares: East Asian, 0.28%; no homozygotes.

Submissions (5):

Labcorp Genetics (formerly Invitae), Labcorp
Classification: Likely benign for Long QT syndrome. Last evaluated: 2025-12-10. Review status: criteria provided, single submitter. Criteria: Invitae Variant Classification Sherloc (09022015). Collection method: clinical testing. Allele origin: germline.

Illumina Laboratory Services, Illumina
Classification: Uncertain significance for Atrial fibrillation, familial, 3. Last evaluated: 2018-01-13. Review status: criteria provided, single submitter. Criteria: ICSL Variant Classification Criteria 13 December 2019. Collection method: clinical testing. Allele origin: germline.

Illumina Laboratory Services, Illumina
Classification: Uncertain significance for Jervell and Lange-Nielsen syndrome 1. Last evaluated: 2018-01-13. Review status: criteria provided, single submitter. Criteria: ICSL Variant Classification Criteria 13 December 2019. Collection method: clinical testing. Allele origin: germline.

Illumina Laboratory Services, Illumina
Classification: Uncertain significance for Long QT syndrome 1. Last evaluated: 2018-01-13. Review status: criteria provided, single submitter. Criteria: ICSL Variant Classification Criteria 13 December 2019. Collection method: clinical testing. Allele origin: germline.

Illumina Laboratory Services, Illumina
Classification: Benign for Short QT syndrome type 2. Last evaluated: 2018-01-13. Review status: criteria provided, single submitter. Criteria: ICSL Variant Classification Criteria 13 December 2019. Collection method: clinical testing. Allele origin: germline.
Comment: This variant was observed in the ICSL laboratory as part of a predisposition screen in an ostensibly healthy population. It had not been previously curated by ICSL or reported in the Human Gene Mutation Database (HGMD: prior to June 1st, 2018), and was therefore a candidate for classification through an automated scoring system. Utilizing variant allele frequency, disease prevalence and penetrance estimates, and inheritance mode, an automated score was calculated to assess if this variant is too frequent to cause the disease. Based on the score and internal cut-off values, a variant classified as benign is not then subjected to further curation. The score for this variant resulted in a classification of benign for this disease.